The following is an entry in ClinVar:

NM_000143.4(FH):c.1437_1443del (p.Gly479_Ser480insTer)

Gene: FH (fumarate hydratase; minus strand). Cytogenetic location: 1q43.
Variant type: Deletion.
Coding change: c.1437_1443del on transcript NM_000143.4 (MANE Select); coding-DNA positions 1437 to 1443, 7 bases deleted (ATCAACC; older notation c.1437_1443delATCAACC).
Protein change: p.Gly479_Ser480insTer.
Molecular consequence: frameshift variant.
Genome position (GRCh38, 1-based): chr1:241,497,918-241,497,924, GGTTGAT deleted on the plus strand (ATCAACC on the coding strand, the reverse complement: FH is on the minus strand). VCF-style (leftmost placement, unchanged base first): chr1-241497917-AGGTTGAT-A. GRCh37 (hg19) VCF-style: chr1-241661217-AGGTTGAT-A.
Identifiers: ClinVar variation 2014262 (VCV002014262.4), dbSNP rs2527308484, ClinGen allele CA2580063444.

ClinVar aggregate classification (germline): Pathogenic (1 of 4 stars; one submission).

Submission:

Labcorp Genetics (formerly Invitae), Labcorp
Classification: Pathogenic. Last evaluated: 2023-10-03. Review status: criteria provided, single submitter. Criteria: Invitae Variant Classification Sherloc (09022015). Collection method: clinical testing. Allele origin: germline.
Comment: This sequence change creates a premature translational stop signal (p.Ser480*) in the FH gene. While this is not anticipated to result in nonsense mediated decay, it is expected to disrupt the last 31 amino acid(s) of the FH protein. This variant is not present in population databases (gnomAD no frequency). A different variant (c.1439C>G) giving rise to the same protein effect has been determined to be pathogenic (Invitae). This suggests that this variant is also likely to be causative of disease. ClinVar contains an entry for this variant (Variation ID: 2014262). This variant disrupts a region of the FH protein in which other variant(s) (p.Leu507Pro) have been determined to be pathogenic (PMID: 12761039; Invitae). This suggests that this is a clinically significant region of the protein, and that variants that disrupt it are likely to be disease-causing. For these reasons, this variant has been classified as Pathogenic.

Literature cited by the submitters: PubMed 12761039.